The following is an entry in ClinVar:

ClinVar aggregate classification (germline): Uncertain significance. Review status: criteria provided, multiple submitters, no conflicts (2 of 4 stars). 8 submissions from 7 submitters: Uncertain significance (7). 1 of the submissions does not count toward it. Last evaluated 2026-05-01.

Conditions:
Retinitis pigmentosa 39 (RP39). Identifiers: Orphanet 791, MedGen C3151138, MONDO:0013436, OMIM 613809.
Usher syndrome type 2A. Also called: USHER SYNDROME, TYPE IIA; RETINAL DISEASE IN USHER SYNDROME TYPE IIA, MODIFIER OF. Identifiers: Orphanet 231178, Orphanet 886, MedGen C1848634, MONDO:0010169, OMIM 276901.
USH2A-related disorder. Also called: USH2A-related disorders; USH2A-related condition. Identifiers: MedGen CN239332.

Allele frequency attached by ClinVar (database versions not stated): gnomAD 0.00001 and 0.00003; gnomAD exomes 0.00001 and 0.00008; TOPMed 0.00002; ExAC 0.00007; 1000 Genomes Project 30x 0.00031; 1000 Genomes Project 0.00040.
gnomAD v4.1: 21 of 1,613,636 alleles (0.0013%); highest among the groups gnomAD compares: East Asian, 0.042%; no homozygotes.

Submissions (8):

PreventionGenetics, part of Exact Sciences
Classification: Uncertain significance for USH2A-related condition. Last evaluated: 2026-05-01. Review status: criteria provided, single submitter. Criteria: ACMG Guidelines, 2015. Collection method: clinical testing. Allele origin: germline.
Comment: The USH2A c.5375G>A variant is predicted to result in the amino acid substitution p.Gly1792Glu. This variant has been reported in individuals with retinitis pigmentosa (Table S1, Sun et al. 2015. PubMed ID: 26747767). This variant is reported in 0.10% of alleles in individuals of East Asian descent in gnomAD. At this time, the clinical significance of this variant is uncertain due to the absence of conclusive functional and genetic evidence.

Women's Health and Genetics/Laboratory Corporation of America, LabCorp
Classification: Uncertain significance. Last evaluated: 2026-05-01. Review status: criteria provided, single submitter. Criteria: LabCorp Variant Classification Summary - May 2015. Collection method: clinical testing. Allele origin: germline.
Comment: Variant summary: USH2A c.5375G>A (p.Gly1792Glu) results in a non-conservative amino acid change located in the the 2nd Laminin G domain (IPR001791) of the encoded protein sequence. Algorithms developed to predict the effect of missense changes on protein structure and function all suggest that this variant is likely to be disruptive. The variant allele was found at a frequency of 8e-05 in 251000 control chromosomes, predominantly at a frequency of 0.001 within the East Asian subpopulation in the gnomAD database. This frequency is not significantly higher than estimated for disease-causing variants in USH2A, allowing no conclusion about variant significance. c.5375G>A has been observed in individuals affected with or suspected of Retinitis Pigmentosa without strong evidence for causality (Xu_2014, Gao_2019)). These report(s) do not provide unequivocal conclusions about association of the variant with Usher Syndrome. To our knowledge, no experimental evidence demonstrating an impact on protein function has been reported. The following publications have been ascertained in the context of this evaluation (PMID: 31054281, 26747767, 24938718). ClinVar contains an entry for this variant (Variation ID: 555216). Based on the evidence outlined above, the variant was classified as uncertain significance.

GeneDx
Classification: Uncertain significance. Last evaluated: 2024-11-08. Review status: criteria provided, single submitter. Criteria: GeneDx Variant Classification Process June 2021. Collection method: clinical testing. Allele origin: germline.
Comment: In silico analysis supports that this missense variant has a deleterious effect on protein structure/function; This variant is associated with the following publications: (PMID: 26747767, 31054281, 24938718)

Blueprint Genetics
Classification: Uncertain significance. Last evaluated: 2024-02-19. Review status: criteria provided, single submitter. Criteria: ACMG Guidelines, 2015. Collection method: clinical testing. Allele origin: germline.

Genome-Nilou Lab
Classification: Uncertain significance for Retinitis pigmentosa 39. Last evaluated: 2023-11-04. Review status: criteria provided, single submitter. Criteria: ACMG Guidelines, 2015. Collection method: clinical testing. Allele origin: germline. Affected: no.

Genome-Nilou Lab
Classification: Uncertain significance for Usher syndrome type 2A. Last evaluated: 2023-11-04. Review status: criteria provided, single submitter. Criteria: ACMG Guidelines, 2015. Collection method: clinical testing. Allele origin: germline. Affected: no.

Labcorp Genetics (formerly Invitae), Labcorp
Classification: Uncertain significance. Last evaluated: 2022-05-04. Review status: criteria provided, single submitter. Criteria: Invitae Variant Classification Sherloc (09022015). Collection method: clinical testing. Allele origin: germline.
Comment: This sequence change replaces glycine, which is neutral and non-polar, with glutamic acid, which is acidic and polar, at codon 1792 of the USH2A protein (p.Gly1792Glu). This variant is present in population databases (rs527598451, gnomAD 0.1%). This missense change has been observed in individual(s) with clinical features of retinitis pigmentosa (PMID: 24938718, 31054281). ClinVar contains an entry for this variant (Variation ID: 555216). Algorithms developed to predict the effect of missense changes on protein structure and function are either unavailable or do not agree on the potential impact of this missense change (SIFT: "Deleterious"; PolyPhen-2: "Probably Damaging"; Align-GVGD: "Class C0"). In summary, the available evidence is currently insufficient to determine the role of this variant in disease. Therefore, it has been classified as a Variant of Uncertain Significance.

Counsyl
Classification: Uncertain significance for Usher syndrome type 2A; Retinitis pigmentosa 39. Last evaluated: 2017-11-29. Review status: no assertion criteria provided. Collection method: clinical testing. Allele origin: unknown. Not counted in ClinVar's aggregate classification.

Literature cited by the submitters: PubMed 31054281 (cited by Women's Health and Genetics/Laboratory Corporation of America, LabCorp and Labcorp Genetics (formerly Invitae), Labcorp); PubMed 24938718 (cited by 3 submitters); PubMed 26747767 (cited by Women's Health and Genetics/Laboratory Corporation of America, LabCorp and Counsyl).

NM_206933.4(USH2A):c.5375G>A (p.Gly1792Glu)

Genes: USH2A (usherin; minus strand), USH2A-AS2 (USH2A antisense RNA 2; plus strand). Cytogenetic location: 1q41.
Variant type: single nucleotide variant.
Coding change: c.5375G>A on transcript NM_206933.4 (MANE Select); coding-DNA position 5375, G replaced by A.
Protein change: p.Gly1792Glu; replaces glycine 1792 with glutamic acid.
Molecular consequence: missense variant.
Genome position (GRCh38, 1-based): chr1:216,078,286, C>T on the plus strand (G>A on the coding strand, the complement: USH2A is on the minus strand). VCF-style: chr1-216078286-C-T. GRCh37 (hg19) VCF-style: chr1-216251628-C-T.
Other names: short protein forms G1792E.
Identifiers: ClinVar variation 555216 (VCV000555216.11), dbSNP rs527598451, ClinGen allele CA1395461.
Genomic context (GRCh38, chr1:216,078,286, plus strand): 5'-ATGAAAGAGCCTTCCTTTTTAATAATGACTTTATTCCACTTTCCATTACAATAGGATAGC[C>T]CCAGCAATAGATCCACTTGTGTAAAGGCAAGACTGGTATTTAACCGGAAGGTCAATATTC-3'
Protein context (NP_996816.3, residues 1782-1802): LAFTQVDLLL[Gly1792Glu]LSYCNGKWNK